The following is an entry in ClinVar:

ClinVar aggregate classification (germline): Uncertain significance (1 of 4 stars; one submission).

gnomAD v4.1: 3 of 1,499,646 alleles (0.0002%); highest among the groups gnomAD compares: Middle Eastern, 0.018%; no homozygotes.

Submission:

Women's Health and Genetics/Laboratory Corporation of America, LabCorp
Classification: Uncertain significance. Last evaluated: 2024-06-13. Review status: criteria provided, single submitter. Criteria: LabCorp Variant Classification Summary - May 2015. Collection method: clinical testing. Allele origin: germline.
Comment: Variant summary: KBTBD13 c.223G>C (p.Glu75Gln) results in a conservative amino acid change located in the BTB/POZ domain (IPR000210) of the encoded protein sequence. Five of five in-silico tools predict a benign effect of the variant on protein function. The variant allele was found at a frequency of 9.5e-06 in 104880 control chromosomes. The available data on variant occurrences in the general population are insufficient to allow any conclusion about variant significance. To our knowledge, no occurrence of c.223G>C in individuals affected with Nemaline Myopathy 6 and no experimental evidence demonstrating its impact on protein function have been reported. No submitters have cited clinical-significance assessments for this variant to ClinVar. Based on the evidence outlined above, the variant was classified as uncertain significance.

NM_001101362.3(KBTBD13):c.223G>C (p.Glu75Gln)

Gene: KBTBD13 (kelch repeat and BTB domain containing 13; plus strand). Cytogenetic location: 15q22.31.
Variant type: single nucleotide variant.
Coding change: c.223G>C on transcript NM_001101362.3 (MANE Select); coding-DNA position 223, G replaced by C.
Protein change: p.Glu75Gln; replaces glutamic acid 75 with glutamine.
Molecular consequence: missense variant.
Genome position (GRCh38, 1-based): chr15:65,077,038, G>C. VCF-style: chr15-65077038-G-C. GRCh37 (hg19) VCF-style: chr15-65369376-G-C.
Other names: short protein forms E75Q.
Identifiers: ClinVar variation 3339528 (VCV003339528.1).